The following is an entry in ClinVar:

NM_004006.3(DMD):c.4224G>T (p.Gln1408His)

Gene: DMD (dystrophin; minus strand). Cytogenetic location: Xp21.1.
Variant type: single nucleotide variant.
Coding change: c.4224G>T on transcript NM_004006.3 (MANE Select); coding-DNA position 4224, G replaced by T.
Protein change: p.Gln1408His; replaces glutamine 1408 with histidine.
Molecular consequence: missense variant.
Genome position (GRCh38, 1-based): chrX:32,411,761, C>A on the plus strand (G>T on the coding strand, the complement: DMD is on the minus strand). VCF-style: chrX-32411761-C-A. GRCh37 (hg19) VCF-style: chrX-32429878-C-A.
Other names: c.4200G>T, p.Gln1400His (NM_000109.4); c.4212G>T, p.Gln1404His (NM_004009.3); c.3855G>T, p.Gln1285His (NM_004010.3); c.201G>T, p.Gln67His (NM_004011.4); c.192G>T, p.Gln64His (NM_004012.4); short protein forms Q1285H, Q1400H, Q1404H, Q1408H, Q64H, Q67H.
Identifiers: ClinVar variation 4800968 (VCV004800968.1).

ClinVar aggregate classification (germline): Uncertain significance (1 of 4 stars; one submission).

Conditions:
Duchenne muscular dystrophy (DMD). Also called: Duchenne Muscular Dystrophy (DMD); MUSCULAR DYSTROPHY, PSEUDOHYPERTROPHIC PROGRESSIVE, DUCHENNE TYPE. Identifiers: Orphanet 98896, MedGen C0013264, MONDO:0010679, OMIM 310200.

Submission:

Labcorp Genetics (formerly Invitae), Labcorp
Classification: Uncertain significance for Duchenne muscular dystrophy. Last evaluated: 2025-11-03. Review status: criteria provided, single submitter. Criteria: Invitae Variant Classification Sherloc (09022015). Collection method: clinical testing. Allele origin: germline.
Comment: This sequence change replaces glutamine, which is neutral and polar, with histidine, which is basic and polar, at codon 1408 of the DMD protein (p.Gln1408His). This variant is not present in population databases (gnomAD no frequency). This variant has not been reported in the literature in individuals affected with DMD-related conditions. Invitae Evidence Modeling of protein sequence and biophysical properties (such as structural, functional, and spatial information, amino acid conservation, physicochemical variation, residue mobility, and thermodynamic stability) indicates that this missense variant is not expected to disrupt DMD protein function with a negative predictive value of 95%. In summary, the available evidence is currently insufficient to determine the role of this variant in disease. Therefore, it has been classified as a Variant of Uncertain Significance.